The following is an entry in ClinVar:

NM_001144967.3(NEDD4L):c.1311C>T (p.Ile437=)

Gene: NEDD4L (NEDD4 like E3 ubiquitin protein ligase; plus strand). Cytogenetic location: 18q21.31.
Variant type: single nucleotide variant.
Coding change: c.1311C>T on transcript NM_001144967.3 (MANE Select); coding-DNA position 1311, C replaced by T.
Protein change: p.Ile437=; no amino-acid change (isoleucine 437 retained).
Molecular consequence: synonymous variant.
Genome position (GRCh38, 1-based): chr18:58,341,731, C>T. VCF-style: chr18-58341731-C-T. GRCh37 (hg19) VCF-style: chr18-56008963-C-T.
Other names: c.948C>T, p.Ile316= (NM_001144964.1, NM_001144965.2, NM_001144966.3); c.1287C>T, p.Ile429= (NM_001144968.2); c.1227C>T, p.Ile409= (NM_001144969.2); c.888C>T, p.Ile296= (NM_001144970.3, NM_001144971.2); c.1119C>T, p.Ile373= (NM_001243960.2); c.1251C>T, p.Ile417= (NM_015277.6).
Identifiers: ClinVar variation 3031429 (VCV003031429.2), dbSNP rs368435758, ClinGen allele CA300922588.
Genomic context (GRCh38, chr18:58,341,731, plus strand): 5'-AAAATAGCTTGCAGAAGATGGTGCGTCCGGATCAGCCACAAACAGTAACAACCATCTAAT[C>T]GAGCCTCAGATCCGCCGGCCTCGTAGCCTCAGCTCGCCAACAGTAACTTTATCTGCCCCG-3'
Protein context (NP_001138439.1, residues 427-447): GSATNSNNHL[Ile437=]EPQIRRPRSL

ClinVar aggregate classification (germline): Likely benign (0 of 4 stars; one submission).

Conditions:
NEDD4L-related disorder. Also called: NEDD4L-related condition.

gnomAD v4.1: 5 of 1,613,838 alleles (0.00031%); highest among the groups gnomAD compares: East Asian, 0.0045%; no homozygotes.

Submission:

PreventionGenetics, part of Exact Sciences
Classification: Likely benign for NEDD4L-related condition. Last evaluated: 2021-02-02. Review status: no assertion criteria provided. Collection method: clinical testing. Allele origin: germline.
Comment: This variant is classified as likely benign based on ACMG/AMP sequence variant interpretation guidelines (Richards et al. 2015 PMID: 25741868, with internal and published modifications).